The following is an entry in ClinVar:

NM_032638.5(GATA2):c.2T>C (p.Met1Thr)

Gene: GATA2 (GATA binding protein 2; minus strand). Cytogenetic location: 3q21.3.
Variant type: single nucleotide variant.
Coding change: c.2T>C on transcript NM_032638.5 (MANE Select); coding-DNA position 2, T replaced by C.
Protein change: p.Met1Thr; changes the start codon (methionine 1).
Molecular consequence: missense variant, initiator codon variant.
Genome position (GRCh38, 1-based): chr3:128,487,030, A>G on the plus strand (T>C on the coding strand, the complement: GATA2 is on the minus strand). VCF-style: chr3-128487030-A-G. GRCh37 (hg19) VCF-style: chr3-128205873-A-G.
Other names: c.2T>C, p.Met1Thr (NM_001145661.2, NM_001145662.1); short protein forms M1T.
Identifiers: ClinVar variation 4028503 (VCV004028503.1).

ClinVar aggregate classification (germline): Uncertain significance (1 of 4 stars; one submission).

Conditions:
Inborn genetic diseases. Identifiers: MedGen C0950123, MeSH D030342.

Submission:

Ambry Genetics
Classification: Uncertain significance for Inborn genetic diseases. Last evaluated: 2025-05-29. Review status: criteria provided, single submitter. Criteria: Ambry Variant Classification Scheme 2023. Collection method: clinical testing. Allele origin: germline.
Comment: The p.M1? variant (also known as c.2T>C) is located in coding exon 1 of the GATA2 gene and results from a T to C substitution at nucleotide position 2. This alters the methionine residue at the initiation codon (ATG). Variations that modify the initiation codon (ATG) are expected to result in either loss of translation initiation, N-terminal truncation, or cause a shift in the mRNA reading frame; however, there is an in-frame methionine 11 amino acids from the initiation site, which may result in N-terminal truncation of unknown functional significance.